The following is an entry in ClinVar:

ClinVar aggregate classification (germline): Pathogenic (1 of 4 stars; one submission).

Submission:

GeneDx
Classification: Pathogenic. Last evaluated: 2026-01-27. Review status: criteria provided, single submitter. Criteria: GeneDx Variant Classification Process June 2021. Collection method: clinical testing. Allele origin: germline.
Comment: Nonsense variant predicted to result in protein truncation or nonsense mediated decay in a gene for which loss of function is a known mechanism of disease; Not observed at significant frequency in large population cohorts (gnomAD); Has not been previously published as pathogenic or benign to our knowledge

NM_000478.6(ALPL):c.262G>T (p.Glu88Ter)

Gene: ALPL (alkaline phosphatase, biomineralization associated; plus strand). Cytogenetic location: 1p36.12.
Variant type: single nucleotide variant.
Coding change: c.262G>T on transcript NM_000478.6 (MANE Select); coding-DNA position 262, G replaced by T.
Protein change: p.Glu88Ter; replaces glutamic acid 88 with a stop codon.
Molecular consequence: nonsense. On other transcripts: intron variant (1).
Genome position (GRCh38, 1-based): chr1:21,561,177, G>T. VCF-style: chr1-21561177-G-T. GRCh37 (hg19) VCF-style: chr1-21887670-G-T.
Other names: c.97G>T, p.Glu33Ter (NM_001127501.4); c.262G>T, p.Glu88Ter (NM_001369803.2, NM_001369804.2, NM_001369805.2); c.66+432G>T (NM_001177520.3); short protein forms E33*, E88*.
Identifiers: ClinVar variation 4975129 (VCV004975129.1).